The following is an entry in ClinVar:

NM_000038.6(APC):c.2149A>G (p.Met717Val)

Gene: APC (APC regulator of Wnt signaling pathway; plus strand). Cytogenetic location: 5q22.2.
Variant type: single nucleotide variant.
Coding change: c.2149A>G on transcript NM_000038.6 (MANE Select); coding-DNA position 2149, A replaced by G.
Protein change: p.Met717Val; replaces methionine 717 with valine.
Molecular consequence: missense variant.
Genome position (GRCh38, 1-based): chr5:112,837,743, A>G. VCF-style: chr5-112837743-A-G. GRCh37 (hg19) VCF-style: chr5-112173440-A-G.
Other names: c.2149A>G, p.Met717Val (NM_001127510.3, NM_001354895.2); c.2095A>G, p.Met699Val (NM_001127511.3); c.2203A>G, p.Met735Val (NM_001354896.2); c.2179A>G, p.Met727Val (NM_001354897.2); c.2074A>G, p.Met692Val (NM_001354898.2); c.2065A>G, p.Met689Val (NM_001354899.2); c.2026A>G, p.Met676Val (NM_001354900.2); c.1972A>G, p.Met658Val (NM_001354901.2); and 5 more; short protein forms M591V, M717V, M434V, M658V, M689V, M626V, M676V, M727V.
Identifiers: ClinVar variation 639181 (VCV000639181.10), dbSNP rs1580618779, ClinGen allele CA16026034.

ClinVar aggregate classification (germline): Uncertain significance. Review status: criteria provided, multiple submitters, no conflicts (2 of 4 stars). 2 submissions from 2 submitters: Uncertain significance (2). Last evaluated 2023-03-07.

Conditions:
Familial adenomatous polyposis 1 (FAP1). Also called: POLYPOSIS, ADENOMATOUS INTESTINAL; FAMILIAL ADENOMATOUS POLYPOSIS 1, ATTENUATED. Identifiers: MedGen C2713442, MONDO:0021056, OMIM 175100. Disease mechanism: loss of function.

Submissions (2):

GeneDx
Classification: Uncertain significance. Last evaluated: 2023-03-07. Review status: criteria provided, single submitter. Criteria: GeneDx Variant Classification Process June 2021. Collection method: clinical testing. Allele origin: germline. Affected: yes.
Comment: Not observed at significant frequency in large population cohorts (gnomAD); In silico analysis supports that this missense variant has a deleterious effect on protein structure/function; Has not been previously published as pathogenic or benign to our knowledge; This variant is associated with the following publications: (PMID: 18199528)

Labcorp Genetics (formerly Invitae), Labcorp
Classification: Uncertain significance for Familial adenomatous polyposis 1. Last evaluated: 2020-04-29. Review status: criteria provided, single submitter. Criteria: Invitae Variant Classification Sherloc (09022015). Collection method: clinical testing. Allele origin: germline.
Comment: This sequence change replaces methionine with valine at codon 717 of the APC protein (p.Met717Val). The methionine residue is highly conserved and there is a small physicochemical difference between methionine and valine. In summary, the available evidence is currently insufficient to determine the role of this variant in disease. Therefore, it has been classified as a Variant of Uncertain Significance. Algorithms developed to predict the effect of missense changes on protein structure and function are either unavailable or do not agree on the potential impact of this missense change (SIFT: "Deleterious"; PolyPhen-2: "Possibly Damaging"; Align-GVGD: "Class C0"). This variant has not been reported in the literature in individuals with APC-related disease. This variant is not present in population databases (ExAC no frequency).